The following is an entry in ClinVar:

ClinVar aggregate classification (germline): Likely pathogenic (1 of 4 stars; one submission).

gnomAD v4.1: 2 of 1,468,744 alleles (0.00014%); highest among the groups gnomAD compares: Non-Finnish European, 0.00019%; no homozygotes.

Submission:

Labcorp Genetics (formerly Invitae), Labcorp
Classification: Likely pathogenic. Last evaluated: 2026-01-06. Review status: criteria provided, single submitter. Criteria: Invitae Variant Classification Sherloc (09022015). Collection method: clinical testing. Allele origin: germline.
Comment: This sequence change affects a donor splice site in intron 12 of the KMT2C gene. It is expected to disrupt RNA splicing. Variants that disrupt the donor or acceptor splice site typically lead to a loss of protein function (PMID: 16199547), and loss-of-function variants in KMT2C are known to be pathogenic (PMID: 29069077). This variant is not present in population databases (gnomAD no frequency). This variant has not been reported in the literature in individuals affected with KMT2C-related conditions. Algorithms developed to predict the effect of sequence changes on RNA splicing suggest that this variant may disrupt the consensus splice site. In summary, the currently available evidence indicates that the variant is pathogenic, but additional data are needed to prove that conclusively. Therefore, this variant has been classified as Likely Pathogenic.

Literature cited by the submitters: PubMed 16199547; PubMed 29069077.

NM_170606.3(KMT2C):c.1735+2T>C

Gene: KMT2C (lysine methyltransferase 2C; minus strand). Cytogenetic location: 7q36.1.
Variant type: single nucleotide variant.
Coding change: c.1735+2T>C on transcript NM_170606.3 (MANE Select); the canonical splice donor site of the intron after coding-DNA position 1735, T replaced by C.
Molecular consequence: splice donor variant.
Genome position (GRCh38, 1-based): chr7:152,250,851, A>G on the plus strand (T>C on the coding strand, the complement: KMT2C is on the minus strand). VCF-style: chr7-152250851-A-G. GRCh37 (hg19) VCF-style: chr7-151947936-A-G.
Identifiers: ClinVar variation 4743193 (VCV004743193.1).